The following is an entry in ClinVar:

NM_006767.4(LZTR1):c.993+1del

Gene: LZTR1 (leucine zipper like post translational regulator 1; plus strand). Cytogenetic location: 22q11.21.
Variant type: Deletion.
Coding change: c.993+1del on transcript NM_006767.4 (MANE Select); the canonical splice donor site of the intron after coding-DNA position 993, one base deleted (G; older notation c.993+1delG).
Molecular consequence: splice donor variant.
Genome position (GRCh38, 1-based): chr22:20,991,830, G deleted; the last of 2 consecutive G bases (chr22:20,991,829-20,991,830); deleting either gives the same sequence. VCF-style (leftmost placement, unchanged base first): chr22-20991828-AG-A. GRCh37 (hg19) VCF-style: chr22-21346117-AG-A.
Identifiers: ClinVar variation 4082394 (VCV004082394.1).

ClinVar aggregate classification (germline): Likely pathogenic (1 of 4 stars; one submission).

Conditions:
Hereditary breast ovarian cancer syndrome. Also called: BRCA1- and BRCA2-Associated Hereditary Breast and Ovarian Cancer; Hereditary breast and ovarian cancer; Hereditary breast and ovarian cancer syndrome (HBOC); Hereditary breast and/or ovarian cancer syndrome; Hereditary breast and ovarian cancer syndrome; Breast and ovarian cancer. Identifiers: Orphanet 145, MedGen C0677776, MeSH D061325, MONDO:0003582. Disease mechanism: loss of function.

Submission:

Genetics and Personalized Medicine Clinic, Tartu University Hospital
Classification: Likely pathogenic for Hereditary breast ovarian cancer syndrome. Last evaluated: 2022-01-01. Review status: criteria provided, single submitter. Criteria: ACMG Guidelines, 2015. Collection method: clinical testing. Allele origin: germline. Affected: yes. Observed: 1 variant allele.
Comment: This variant affects the canonical splice donor site of intron 9 and is predicted to disrupt normal splicing, likely resulting in a frameshift and premature truncation (PVS1). LZTR1 loss-of-function is implicated in tumor predisposition syndromes.